The following is an entry in ClinVar:

ClinVar aggregate classification (germline): Pathogenic/Likely pathogenic. Review status: criteria provided, multiple submitters, no conflicts (2 of 4 stars). 2 submissions from 2 submitters: Pathogenic (1); Likely pathogenic (1). Last evaluated 2024-02-06.

Conditions:
Lysinuric protein intolerance (LPI). Identifiers: Orphanet 470, MedGen C0268647, MONDO:0009109, OMIM 222700.

Submissions (2):

Fulgent Genetics
Classification: Likely pathogenic for Lysinuric protein intolerance. Last evaluated: 2024-02-06. Review status: criteria provided, single submitter. Criteria: ACMG Guidelines, 2015. Collection method: clinical testing. Allele origin: germline.

Labcorp Genetics (formerly Invitae), Labcorp
Classification: Pathogenic for Lysinuric protein intolerance. Last evaluated: 2023-08-19. Review status: criteria provided, single submitter. Criteria: Invitae Variant Classification Sherloc (09022015). Collection method: clinical testing. Allele origin: germline.
Comment: For these reasons, this variant has been classified as Pathogenic. This variant disrupts a region of the SLC7A7 protein in which other variant(s) (p.Cys487Leufs*32) have been determined to be pathogenic (PMID: 10655553). This suggests that this is a clinically significant region of the protein, and that variants that disrupt it are likely to be disease-causing. This variant has not been reported in the literature in individuals affected with SLC7A7-related conditions. This variant is not present in population databases (gnomAD no frequency). This sequence change creates a premature translational stop signal (p.Ser452Argfs*15) in the SLC7A7 gene. While this is not anticipated to result in nonsense mediated decay, it is expected to disrupt the last 60 amino acid(s) of the SLC7A7 protein.

Literature cited by the submitters: PubMed 10655553 (cited by Labcorp Genetics (formerly Invitae), Labcorp).

NM_003982.4(SLC7A7):c.1354_1355del (p.Ser452fs)

Gene: SLC7A7 (solute carrier family 7 member 7; minus strand). Cytogenetic location: 14q11.2.
Variant type: Microsatellite.
Coding change: c.1354_1355del on transcript NM_003982.4 (MANE Select); coding-DNA positions 1354 to 1355, 2 bases deleted (TC; older notation c.1354_1355delTC).
Protein change: p.Ser452fs; shifts the reading frame from serine 452.
Molecular consequence: frameshift variant.
Genome position (GRCh38, 1-based): chr14:22,774,007-22,774,008, GA deleted on the plus strand (TC on the coding strand, the reverse complement: SLC7A7 is on the minus strand); deleting any 2 consecutive bases within chr14:22,774,007-22,774,011 gives the same sequence; the c. name uses the placement nearest the transcript's 3' end. VCF-style (leftmost placement, unchanged base first): chr14-22774006-TGA-T. GRCh37 (hg19) VCF-style: chr14-23243215-TGA-T.
Other names: c.1354_1355del, p.Ser452fs (NM_001126105.3, NM_001126106.4); c.1351_1352CT[1], p.Ser452Argfs (NM_001126106.2); c.1354_1355del (NM_001126106.2); short protein forms S452fs.
Identifiers: ClinVar variation 2867876 (VCV002867876.4), dbSNP rs2501832728, ClinGen allele CA2575479539.
Genomic context (GRCh38, chr14:22,774,006, plus strand): 5'-GAGGTAAAGCGGTCGCTTATGTTCTGGCACTCTGATGATGAGGAAGTAAAAGGGCAGGCC[TGA>T]GAGGGCAATGGCAATGCCGATGAGGGAGTTGATAGTATCACTGTAAAGTGGAACAGCCAC-3'